The following is an entry in ClinVar:

ClinVar aggregate classification (germline): Uncertain significance (1 of 4 stars; one submission).

Submission:

CeGaT Center for Human Genetics Tuebingen
Classification: Uncertain significance. Last evaluated: 2025-06-01. Review status: criteria provided, single submitter. Criteria: CeGaT Center For Human Genetics Tuebingen Variant Classification Criteria Version 2. Collection method: clinical testing. Allele origin: germline. Affected: yes. Observed: 1 variant allele.
Comment: INTS1: PM2

NM_001080453.3(INTS1):c.2306T>C (p.Met769Thr)

Gene: INTS1 (integrator complex subunit 1; minus strand). Cytogenetic location: 7p22.3.
Variant type: single nucleotide variant.
Coding change: c.2306T>C on transcript NM_001080453.3 (MANE Select); coding-DNA position 2306, T replaced by C.
Protein change: p.Met769Thr; replaces methionine 769 with threonine.
Molecular consequence: missense variant.
Genome position (GRCh38, 1-based): chr7:1,489,356, A>G on the plus strand (T>C on the coding strand, the complement: INTS1 is on the minus strand). VCF-style: chr7-1489356-A-G. GRCh37 (hg19) VCF-style: chr7-1528992-A-G.
Other names: short protein forms M769T.
Identifiers: ClinVar variation 4085312 (VCV004085312.8).
Genomic context (GRCh38, chr7:1,489,356, plus strand): 5'-AGGCCCTGCTCCCCATCCCGGGCCCGCCGAGGGGACGTGCGCACTCACTTGGTCATCACC[A>G]TCTCCATGAGCATCTTCAGGGTCGGGTACTCCTCCCACGCAGCCAGGCCTAGGGAACCGG-3'
Protein context (NP_001073922.2, residues 759-779): EYPTLKMLME[Met769Thr]VMTNNYSYPP